The following is an entry in ClinVar:

NM_014795.4(ZEB2):c.3444C>T (p.Tyr1148=)

Gene: ZEB2 (zinc finger E-box binding homeobox 2; minus strand). Cytogenetic location: 2q22.3.
Variant type: single nucleotide variant.
Coding change: c.3444C>T on transcript NM_014795.4 (MANE Select); coding-DNA position 3444, C replaced by T.
Protein change: p.Tyr1148=; no amino-acid change (tyrosine 1148 retained).
Molecular consequence: synonymous variant.
Genome position (GRCh38, 1-based): chr2:144,389,652, G>A on the plus strand (C>T on the coding strand, the complement: ZEB2 is on the minus strand). VCF-style: chr2-144389652-G-A. GRCh37 (hg19) VCF-style: chr2-145147219-G-A.
Other names: c.3372C>T, p.Tyr1124= (NM_001171653.2).
Identifiers: ClinVar variation 160325 (VCV000160325.19), dbSNP rs374141392, ClinGen allele CA272829.

ClinVar aggregate classification (germline): Likely benign. Review status: criteria provided, multiple submitters, no conflicts (2 of 4 stars). 5 submissions from 5 submitters: Likely benign (5). Last evaluated 2026-08-01.

Conditions:
Mowat-Wilson syndrome (MOWS). Also called: Classic Mowat-Wilson Syndrome. Identifiers: Orphanet 2152, MedGen C1856113, MONDO:0009341, OMIM 235730.

Allele frequency attached by ClinVar (database versions not stated): gnomAD 0.00003; TOPMed 0.00003; ExAC 0.00004; gnomAD exomes 0.00005 and 0.00006; ESP Exome Variant Server 0.00008.
gnomAD v4.1: 83 of 1,613,726 alleles (0.0051%); highest among the groups gnomAD compares: Non-Finnish European, 0.0058%; no homozygotes.

Submissions (5):

CeGaT Center for Human Genetics Tuebingen
Classification: Likely benign. Last evaluated: 2026-08-01. Review status: criteria provided, single submitter. Criteria: CeGaT Center For Human Genetics Tuebingen Variant Classification Criteria Version 2. Collection method: clinical testing. Allele origin: germline. Affected: yes. Observed: 1 variant allele.
Comment: ZEB2: BP4, BP7

Labcorp Genetics (formerly Invitae), Labcorp
Classification: Likely benign for Mowat-Wilson syndrome. Last evaluated: 2025-04-27. Review status: criteria provided, single submitter. Criteria: Invitae Variant Classification Sherloc (09022015). Collection method: clinical testing. Allele origin: germline.

Blueprint Genetics
Classification: Likely benign. Last evaluated: 2024-09-18. Review status: criteria provided, single submitter. Criteria: ACMG Guidelines, 2015. Collection method: clinical testing. Allele origin: germline.

Genome-Nilou Lab
Classification: Likely benign for Mowat-Wilson syndrome. Last evaluated: 2021-11-07. Review status: criteria provided, single submitter. Criteria: ACMG Guidelines, 2015. Collection method: clinical testing. Allele origin: germline. Affected: no.

Genetic Services Laboratory, University of Chicago
Classification: Likely benign. Last evaluated: 2020-07-30. Review status: criteria provided, single submitter. Criteria: ACMG Guidelines, 2015. Collection method: clinical testing. Allele origin: germline. Affected: no.